The following is an entry in ClinVar:

ClinVar aggregate classification (germline): Uncertain significance (1 of 4 stars; one submission).

Conditions:
Immunodeficiency 104. Also called: Severe combined immunodeficiency, autosomal recessive, T cell-negative, B cell-positive, NK cell-positive; SCID, AUTOSOMAL RECESSIVE, T CELL-NEGATIVE, B CELL-POSITIVE, NK CELL-POSITIVE; IMMUNODEFICIENCY 104, SEVERE COMBINED; Severe Combined Immune Deficiency, Autosomal Recessive, TCell -Negative, B Cell-Positive, NK Cell-Positive, IL7R-Related. Identifiers: MedGen C5676890, MONDO:0012163, OMIM 608971.

Allele frequency attached by ClinVar (database versions not stated): gnomAD exomes 0.00001; ExAC 0.00003; TOPMed 0.00004; gnomAD 0.00007; ESP Exome Variant Server 0.00023.
gnomAD v4.1: 18 of 1,611,730 alleles (0.0011%); highest among the groups gnomAD compares: African/African-American, 0.017%; no homozygotes.

Submission:

Labcorp Genetics (formerly Invitae), Labcorp
Classification: Uncertain significance for Immunodeficiency 104. Last evaluated: 2024-02-17. Review status: criteria provided, single submitter. Criteria: Invitae Variant Classification Sherloc (09022015). Collection method: clinical testing. Allele origin: germline.
Comment: This sequence change replaces valine, which is neutral and non-polar, with isoleucine, which is neutral and non-polar, at codon 684 of the PTPRC protein (p.Val684Ile). This variant is present in population databases (rs147515054, gnomAD 0.04%). This variant has not been reported in the literature in individuals affected with PTPRC-related conditions. ClinVar contains an entry for this variant (Variation ID: 1982146). Algorithms developed to predict the effect of missense changes on protein structure and function output the following: SIFT: "Not Available"; PolyPhen-2: "Possibly Damaging"; Align-GVGD: "Not Available". The isoleucine amino acid residue is found in multiple mammalian species, which suggests that this missense change does not adversely affect protein function. In summary, the available evidence is currently insufficient to determine the role of this variant in disease. Therefore, it has been classified as a Variant of Uncertain Significance.

NM_002838.5(PTPRC):c.2050G>A (p.Val684Ile)

Gene: PTPRC (protein tyrosine phosphatase receptor type C; plus strand). Cytogenetic location: 1q32.1.
Variant type: single nucleotide variant.
Coding change: c.2050G>A on transcript NM_002838.5 (MANE Select); coding-DNA position 2050, G replaced by A.
Protein change: p.Val684Ile; replaces valine 684 with isoleucine.
Molecular consequence: missense variant.
Genome position (GRCh38, 1-based): chr1:198,732,375, G>A. VCF-style: chr1-198732375-G-A. GRCh37 (hg19) VCF-style: chr1-198701504-G-A.
Other names: c.1567G>A, p.Val523Ile (NM_080921.4); short protein forms V523I, V684I.
Identifiers: ClinVar variation 1982146 (VCV001982146.3), dbSNP rs147515054, ClinGen allele CA1314975.